The following is an entry in ClinVar:

ClinVar aggregate classification (germline): Uncertain significance (1 of 4 stars; one submission).

Conditions:
Early Myoclonic Encephalopathy. Identifiers: MedGen C0270855.

Allele frequency attached by ClinVar (database versions not stated): TOPMed 0.00001; gnomAD exomes below 0.00001; ExAC 0.00001; gnomAD 0.00001.
gnomAD v4.1: 7 of 1,614,178 alleles (0.00043%); highest among the groups gnomAD compares: Middle Eastern, 0.017%; no homozygotes.

Submission:

Labcorp Genetics (formerly Invitae), Labcorp
Classification: Uncertain significance for Early Myoclonic Encephalopathy. Last evaluated: 2024-12-16. Review status: criteria provided, single submitter. Criteria: Invitae Variant Classification Sherloc (09022015). Collection method: clinical testing. Allele origin: germline.
Comment: This sequence change replaces isoleucine, which is neutral and non-polar, with valine, which is neutral and non-polar, at codon 1507 of the JMJD1C protein (p.Ile1507Val). This variant is present in population databases (rs753631920, gnomAD 0.007%). This variant has not been reported in the literature in individuals affected with JMJD1C-related conditions. ClinVar contains an entry for this variant (Variation ID: 2184105). Invitae Evidence Modeling of protein sequence and biophysical properties (such as structural, functional, and spatial information, amino acid conservation, physicochemical variation, residue mobility, and thermodynamic stability) indicates that this missense variant is not expected to disrupt JMJD1C protein function with a negative predictive value of 80%. In summary, the available evidence is currently insufficient to determine the role of this variant in disease. Therefore, it has been classified as a Variant of Uncertain Significance.

NM_032776.3(JMJD1C):c.4519A>G (p.Ile1507Val)

Gene: JMJD1C (jumonji domain containing 1C; minus strand). Cytogenetic location: 10q21.3.
Variant type: single nucleotide variant.
Coding change: c.4519A>G on transcript NM_032776.3 (MANE Select); coding-DNA position 4519, A replaced by G.
Protein change: p.Ile1507Val; replaces isoleucine 1507 with valine.
Molecular consequence: missense variant. On other transcripts: non-coding transcript variant (1).
Genome position (GRCh38, 1-based): chr10:63,207,150, T>C on the plus strand (A>G on the coding strand, the complement: JMJD1C is on the minus strand). VCF-style: chr10-63207150-T-C. GRCh37 (hg19) VCF-style: chr10-64966910-T-C.
Other names: c.3973A>G, p.Ile1325Val (NM_001282948.2, NM_001318154.2); c.3655A>G, p.Ile1219Val (NM_001318153.2); c.4405A>G, p.Ile1469Val (NM_001322252.2); c.3862A>G, p.Ile1288Val (NM_001322254.2, NM_001322258.2); short protein forms I1288V, I1469V, I1219V, I1325V, I1507V.
Identifiers: ClinVar variation 2184105 (VCV002184105.4), dbSNP rs753631920, ClinGen allele CA5518254.
Genomic context (GRCh38, chr10:63,207,150, plus strand): 5'-TTGTACTACAGATTACAGTGCTATCCAGAGGAAGGGAGGCTGAAAGTGTCTGATTTTTTA[T>C]AGCATTAGGTTCAGTCTCACTGGCATTACTACTTTTATACTGAGCTGCAGCCAATGCTGC-3'
Protein context (NP_116165.1, residues 1497-1517): SNASETEPNA[Ile1507Val]KNQTLSASLP